The following is an entry in ClinVar:

ClinVar aggregate classification (germline): Likely benign. Review status: criteria provided, multiple submitters, no conflicts (2 of 4 stars). 3 submissions from 3 submitters: Likely benign (3). Last evaluated 2025-11-18.

Conditions:
EPHB4-related disorder. Also called: EPHB4-related condition; EPHB4-related disorders.
Cardiovascular phenotype. Identifiers: MedGen CN230736.

Allele frequency attached by ClinVar (database versions not stated): ExAC 0.00031; ESP Exome Variant Server 0.00047; TOPMed 0.00076; gnomAD exomes 0.00006; gnomAD 0.00072; 1000 Genomes Project 0.00120; 1000 Genomes Project 30x 0.00125.
gnomAD v4.1: 204 of 1,585,634 alleles (0.013%); highest among the groups gnomAD compares: African/African-American, 0.24%; no homozygotes.

Submissions (3):

PreventionGenetics, part of Exact Sciences
Classification: Likely benign for EPHB4-related condition. Last evaluated: 2025-11-18. Review status: criteria provided, single submitter. Criteria: ACMG Guidelines, 2015. Collection method: clinical testing. Allele origin: germline.
Comment: This variant is classified as likely benign based on ACMG/AMP sequence variant interpretation guidelines (Richards et al. 2015 PMID: 25741868, with internal and published modifications).

Labcorp Genetics (formerly Invitae), Labcorp
Classification: Likely benign. Last evaluated: 2025-06-12. Review status: criteria provided, single submitter. Criteria: Invitae Variant Classification Sherloc (09022015). Collection method: clinical testing. Allele origin: germline.

Ambry Genetics
Classification: Likely benign for Cardiovascular phenotype. Last evaluated: 2022-10-03. Review status: criteria provided, single submitter. Criteria: Ambry Variant Classification Scheme 2023. Collection method: clinical testing. Allele origin: germline.

NM_004444.5(EPHB4):c.13G>A (p.Val5Met)

Genes: EPHB4 (EPH receptor B4; minus strand), SLC12A9 (solute carrier family 12 member 9; plus strand). Cytogenetic location: 7q22.1.
Variant type: single nucleotide variant.
Coding change: c.13G>A on transcript NM_004444.5 (MANE Select); coding-DNA position 13, G replaced by A.
Protein change: p.Val5Met; replaces valine 5 with methionine.
Molecular consequence: missense variant. On other transcripts: 5 prime UTR variant (1).
Genome position (GRCh38, 1-based): chr7:100,827,018, C>T on the plus strand (G>A on the coding strand, the complement: EPHB4 is on the minus strand). VCF-style: chr7-100827018-C-T. GRCh37 (hg19) VCF-style: chr7-100424640-C-T.
Other names: c.-11C>T (NM_001363494.1); short protein forms V5M.
Identifiers: ClinVar variation 1771766 (VCV001771766.6), dbSNP rs376314076, ClinGen allele CA4393492.
Genomic context (GRCh38, chr7:100,827,018, plus strand): 5'-CCCCCCCGCAAGGAAACTCACCTTCCAAAGCTGCGGCCAACGAAGCCCAGCAGAGCAGCA[C>T]CCGGAGCTCCATGGCGCCGCCTCACTCGGGTAGGATCCGAACTGAGTTTGGGGGGCCCTC-3'
Protein context (NP_004435.3, residues 1-15): MELR[Val5Met]LLCWASLAAA